The following is an entry in ClinVar:

ClinVar aggregate classification (germline): Uncertain significance. Review status: criteria provided, multiple submitters, no conflicts (2 of 4 stars). 12 submissions from 12 submitters: Uncertain significance (11). 1 of the submissions does not count toward it. Last evaluated 2026-01-06.

Conditions:
Familial ovarian cancer. Identifiers: MedGen C5679802, MONDO:0016248.
RAD51C-related disorder. Also called: RAD51C-related condition; RAD51C-related disorders.
Breast-ovarian cancer, familial, susceptibility to, 3. Also called: RAD51C-Related Breast/Ovarian Cancer. Identifiers: Orphanet 145, MedGen C3150659, MONDO:0013253, OMIM 613399.
Fanconi anemia complementation group O. Also called: RAD51C-Related Fanconi Anemia. Identifiers: Orphanet 84, MedGen C3150653, MONDO:0013248, OMIM 613390.
Hereditary cancer-predisposing syndrome. Also called: Neoplastic Syndromes, Hereditary; Hereditary Cancer Syndrome; Hereditary neoplastic syndrome; Tumor predisposition. Identifiers: Orphanet 140162, MedGen C0027672, MeSH D009386, MONDO:0015356.

Allele frequency attached by ClinVar (database versions not stated): gnomAD exomes 0.00001; ExAC 0.00002; gnomAD 0.00002; TOPMed 0.00002; ESP Exome Variant Server 0.00008.

Submissions (12):

Labcorp Genetics (formerly Invitae), Labcorp
Classification: Uncertain significance for Fanconi anemia complementation group O. Last evaluated: 2026-01-06. Review status: criteria provided, single submitter. Criteria: Invitae Variant Classification Sherloc (09022015). Collection method: clinical testing. Allele origin: germline.
Comment: This sequence change replaces arginine, which is basic and polar, with tryptophan, which is neutral and slightly polar, at codon 260 of the RAD51C protein (p.Arg260Trp). This variant is present in population databases (rs374196453, gnomAD 0.007%). This missense change has been observed in individual(s) with colorectal cancer and an individual undergoing genetic testing for hereditary cancer predisposition (PMID: 28135145, 31159747). ClinVar contains an entry for this variant (Variation ID: 141175). Invitae Evidence Modeling of protein sequence and biophysical properties (such as structural, functional, and spatial information, amino acid conservation, physicochemical variation, residue mobility, and thermodynamic stability) indicates that this missense variant is expected to disrupt RAD51C protein function with a positive predictive value of 80%. Experimental studies are conflicting or provide insufficient evidence to determine the effect of this variant on RAD51C function (PMID: 37253112). In summary, the available evidence is currently insufficient to determine the role of this variant in disease. Therefore, it has been classified as a Variant of Uncertain Significance.

Ambry Genetics
Classification: Uncertain significance for Hereditary cancer-predisposing syndrome. Last evaluated: 2024-11-13. Review status: criteria provided, single submitter. Criteria: Ambry Variant Classification Scheme 2023. Collection method: clinical testing. Allele origin: germline.
Comment: The p.R260W variant (also known as c.778C>T), located in coding exon 5 of the RAD51C gene, results from a C to T substitution at nucleotide position 778. The arginine at codon 260 is replaced by tryptophan, an amino acid with dissimilar properties. This alteration has been reported in 1/1197 individuals from Greece, Romania, and Turkey undergoing evaluation for inherited cancer predisposition (Tsaousis GN et al. BMC Cancer, 2019 Jun;19:535). This amino acid position is highly conserved in available vertebrate species. In addition, the in silico prediction for this alteration is inconclusive. Based on the available evidence, the clinical significance of this variant remains unclear.

Molecular Pathology, Peter Maccallum Cancer Centre
Classification: Uncertain significance for Familial ovarian cancer. Last evaluated: 2024-08-19. Review status: criteria provided, single submitter. Criteria: ACMG Guidelines, 2015. Collection method: clinical testing. Allele origin: germline. Inheritance: Autosomal dominant inheritance.

GeneDx
Classification: Uncertain significance. Last evaluated: 2024-06-10. Review status: criteria provided, single submitter. Criteria: GeneDx Variant Classification Process June 2021. Collection method: clinical testing. Allele origin: germline. Affected: yes.
Comment: Not observed at significant frequency in large population cohorts (gnomAD); In silico analysis supports that this missense variant has a deleterious effect on protein structure/function; Observed in an individual with colorectal cancer (PMID: 28135145); This variant is associated with the following publications: (PMID: 31159747, 14704354, 37253112, 28135145, 36099300)

Fulgent Genetics
Classification: Uncertain significance for Fanconi anemia complementation group O; Breast-ovarian cancer, familial, susceptibility to, 3. Last evaluated: 2024-03-23. Review status: criteria provided, single submitter. Criteria: ACMG Guidelines, 2015. Collection method: clinical testing. Allele origin: germline.

Color Diagnostics, LLC DBA Color Health
Classification: Uncertain significance for Hereditary cancer-predisposing syndrome. Last evaluated: 2024-02-12. Review status: criteria provided, single submitter. Criteria: ACMG Guidelines, 2015. Collection method: clinical testing. Allele origin: germline.
Comment: This missense variant replaces arginine with tryptophan at codon 260 of the RAD51C protein. Computational prediction is inconclusive regarding the impact of this variant on protein structure and function. To our knowledge, functional studies have not been reported for this variant. This variant has been observed in an individual affected with colorectal cancer (PMID: 28135145). This variant has been identified in 2/251438 chromosomes in the general population by the Genome Aggregation Database (gnomAD). The available evidence is insufficient to determine the role of this variant in disease conclusively. Therefore, this variant is classified as a Variant of Uncertain Significance.

Baylor Genetics
Classification: Uncertain significance for Breast-ovarian cancer, familial, susceptibility to, 3. Last evaluated: 2023-10-17. Review status: criteria provided, single submitter. Criteria: ACMG Guidelines, 2015. Collection method: clinical testing. Allele origin: unknown.

Neuberg Centre For Genomic Medicine, NCGM
Classification: Uncertain significance for Breast-ovarian cancer, familial, susceptibility to, 3. Last evaluated: 2023-07-22. Review status: criteria provided, single submitter. Criteria: ACMG Guidelines, 2015. Collection method: clinical testing. Allele origin: germline. Inheritance: Autosomal dominant inheritance. Affected: yes.
Comment: The missense variant c.778C>Tp.Arg260Trp in RAD51C gene has been reported in individuals affected with RAD51C related disorders Yurgelun et. al., 2017; Tsaousis et. al., 2019, The observed variant has allele frequency of 0.0008% in gnomAD exomes database. This variant has been submitted to the ClinVar database as Uncertain Significance multiple submitters. Multiple lines of computational evidence Polyphen - probably damaging, SIFT - damaging and MutationTaster - disease causing predict a damaging effect on protein structure and function for this variant. The amino acid change p.Arg260Trp in RAD51C is predicted as conserved by GERP++ and PhyloP across 100 vertebrates. The amino acid Arg at position 260 is changed to a Trp changing protein sequence and it might alter its composition and physico-chemical properties. For these reasons, this variant has been classified as Uncertain Significance VUS.

Quest Diagnostics Nichols Institute San Juan Capistrano
Classification: Uncertain significance. Last evaluated: 2021-09-01. Review status: criteria provided, single submitter. Criteria: Quest Diagnostics criteria. Collection method: clinical testing. Allele origin: unknown.

GeneKor MSA
Classification: Uncertain significance for Hereditary cancer-predisposing syndrome. Last evaluated: 2018-08-01. Review status: criteria provided, single submitter. Criteria: ACMG Guidelines, 2015. Collection method: clinical testing. Allele origin: germline. Affected: yes.

Women's Health and Genetics/Laboratory Corporation of America, LabCorp
Classification: Uncertain significance. Last evaluated: 2017-07-28. Review status: criteria provided, single submitter. Criteria: LabCorp Variant Classification Summary - May 2015. Collection method: clinical testing. Allele origin: germline.
Comment: Variant summary: The RAD51C c.778C>T (p.Arg260Trp) variant causes a missense change involving the alteration of a non-conserved nucleotide. 4/4 in silico tools predict a damaging outcome for this variant (SNPsandGO not captured due to low reliability index). The variant of interest has been found in a large, broad control population, ExAC in 2/121402 control chromosomes at a frequency of 0.0000165, which does not exceed the estimated maximal expected allele frequency of a pathogenic RAD51C variant (0.0000625). This variant was found in one CRC patient in one study without strong evidence for causality (Yurgelun_CDH1_JCO_2017). In addition, multiple clinical diagnostic laboratories/reputable databases classified this variant as uncertain significance. Taken together, this variant is classified as VUS.

PreventionGenetics, part of Exact Sciences
Classification: Uncertain significance for RAD51C-related condition. Last evaluated: 2024-02-23. Review status: no assertion criteria provided. Collection method: clinical testing. Allele origin: germline. Not counted in ClinVar's aggregate classification.
Comment: The RAD51C c.778C>T variant is predicted to result in the amino acid substitution p.Arg260Trp. This variant has been reported in an individual with colorectal cancer and an individual undergoing genetic testing for hereditary cancer predisposition syndromes (Table A4. Yurgelun et al 2017. PubMed ID: 28135145; Table S5. Tsaousis et al 2019. PubMed ID: 31159747). This variant is reported in 0.0062% of alleles in individuals of African descent in gnomAD. This variant is interpreted as a variant of uncertain significance in ClinVar. At this time, the clinical significance of this variant is uncertain due to the absence of conclusive functional and genetic evidence.

Literature cited by the submitters: PubMed 28135145 (cited by 4 submitters); PubMed 31159747 (cited by 3 submitters); PubMed 37253112 (cited by Labcorp Genetics (formerly Invitae), Labcorp).

NM_058216.3(RAD51C):c.778C>T (p.Arg260Trp)

Gene: RAD51C (RAD51 paralog C; plus strand). Cytogenetic location: 17q22.
Variant type: single nucleotide variant.
Coding change: c.778C>T on transcript NM_058216.3 (MANE Select); coding-DNA position 778, C replaced by T.
Protein change: p.Arg260Trp; replaces arginine 260 with tryptophan.
Molecular consequence: missense variant. On other transcripts: non-coding transcript variant (1).
Genome position (GRCh38, 1-based): chr17:58,709,931, C>T. VCF-style: chr17-58709931-C-T. GRCh37 (hg19) VCF-style: chr17-56787292-C-T.
Other names: short protein forms R260W.
Identifiers: ClinVar variation 141175 (VCV000141175.30), dbSNP rs374196453, ClinGen allele CA164679.